The following is an entry in ClinVar:

NM_001165963.4(SCN1A):c.1095T>C (p.Phe365=)

Gene: SCN1A (sodium voltage-gated channel alpha subunit 1; minus strand). Cytogenetic location: 2q24.3.
Variant type: single nucleotide variant.
Coding change: c.1095T>C on transcript NM_001165963.4 (MANE Select); coding-DNA position 1095, T replaced by C.
Protein change: p.Phe365=; no amino-acid change (phenylalanine 365 retained).
Molecular consequence: synonymous variant. On other transcripts: 5 prime UTR variant (1), non-coding transcript variant (1).
Genome position (GRCh38, 1-based): chr2:166,047,702, A>G on the plus strand (T>C on the coding strand, the complement: SCN1A is on the minus strand). VCF-style: chr2-166047702-A-G. GRCh37 (hg19) VCF-style: chr2-166904212-A-G.
Other names: c.1095T>C, p.Phe365= (NM_001165964.3, NM_001202435.3, NM_001353948.2 and 10 more transcripts); c.-1331T>C (NM_001353961.2).
Identifiers: ClinVar variation 1993950 (VCV001993950.4), dbSNP rs758306481, ClinGen allele CA1943363.
Genomic context (GRCh38, chr2:166,047,702, plus strand): 5'-TTCCCAGAAGTCCTGAGTCATTAGTCGAAACAAGGACAAAAAAGCCCAACTGAAGGTATC[A>G]AAGCTTGTGTAGCCATAATTGGGATTTCTACCAGCTTTCACACACATATATCCCTCTGGA-3'
Protein context (NP_001159435.1, residues 355-375): GRNPNYGYTS[Phe365=]DTFSWAFLSL

ClinVar aggregate classification (germline): Uncertain significance (1 of 4 stars; one submission).

Conditions:
Early-infantile DEE. Also called: Ohtahara syndrome; Early infantile epileptic encephalopathy; Early infantile epileptic encephalopathy with suppression bursts. Identifiers: Orphanet 1934, MedGen C0393706, MONDO:0800491.

Allele frequency attached by ClinVar (database versions not stated): TOPMed below 0.00001; ExAC 0.00001; gnomAD 0.00001.
gnomAD v4.1: 1 of 1,613,648 alleles (0.000062%); highest among the groups gnomAD compares: Non-Finnish European, 0.000085%; no homozygotes.

Submission:

Labcorp Genetics (formerly Invitae), Labcorp
Classification: Uncertain significance for Early-infantile DEE. Last evaluated: 2022-05-13. Review status: criteria provided, single submitter. Criteria: Invitae Variant Classification Sherloc (09022015). Collection method: clinical testing. Allele origin: germline.
Comment: This sequence change affects codon 365 of the SCN1A mRNA. It is a 'silent' change, meaning that it does not change the encoded amino acid sequence of the SCN1A protein. This variant is present in population databases (rs758306481, gnomAD 0.007%). This variant has not been reported in the literature in individuals affected with SCN1A-related conditions. Algorithms developed to predict the effect of sequence changes on RNA splicing suggest that this variant may create or strengthen a splice site. In summary, the available evidence is currently insufficient to determine the role of this variant in disease. Therefore, it has been classified as a Variant of Uncertain Significance.